The following is an entry in ClinVar:

ClinVar aggregate classification (germline): Conflicting classifications of pathogenicity. Review status: criteria provided, conflicting classifications (1 of 4 stars). 4 submissions from 4 submitters: Uncertain significance (1); Likely benign (3). Last evaluated 2024-11-13.

Conditions:
Deafness-lymphedema-leukemia syndrome. Also called: Emberger syndrome; Lymphedema, primary, with myelodysplasia. Identifiers: Orphanet 3226, MedGen C3279664, MONDO:0013540, OMIM 614038.
Monocytopenia with susceptibility to infections. Also called: IMMUNODEFICIENCY 21; GATA2 DEFICIENCY; MONOCYTOPENIA AND MYCOBACTERIAL INFECTION SYNDROME; MONOCYTOPENIA WITH SUSCEPTIBILITY TO MYCOBACTERIAL, FUNGAL, AND PAPILLOMAVIRUS INFECTIONS AND MYELODYSPLASIA; COMBINED IMMUNODEFICIENCY WITH SUSCEPTIBILITY TO MYCOBACTERIAL, VIRAL, AND FUNGAL INFECTIONS; Dendritic cell, monocyte, B lymphocyte, and natural killer lymphocyte deficiency. Identifiers: Orphanet 228423, MedGen C3280030, MONDO:0013607, OMIM 614172.
Inborn genetic diseases. Identifiers: MedGen C0950123, MeSH D030342.

Allele frequency attached by ClinVar (database versions not stated): gnomAD 0.00002 and 0.00003; gnomAD exomes 0.00002 and 0.00003; TOPMed 0.00002; ExAC 0.00004; ESP Exome Variant Server 0.00008.
gnomAD v4.1: 31 of 1,614,090 alleles (0.0019%); highest among the groups gnomAD compares: Non-Finnish European, 0.0025%; no homozygotes.

Submissions (4):

Blueprint Genetics
Classification: Likely benign. Last evaluated: 2024-11-13. Review status: criteria provided, single submitter. Criteria: ACMG Guidelines, 2015. Collection method: clinical testing. Allele origin: germline.

GeneDx
Classification: Uncertain significance. Last evaluated: 2024-10-14. Review status: criteria provided, single submitter. Criteria: GeneDx Variant Classification Process June 2021. Collection method: clinical testing. Allele origin: germline. Affected: yes.
Comment: In silico analysis indicates that this variant does not alter splicing; Has not been previously published as pathogenic or benign to our knowledge

Ambry Genetics
Classification: Likely benign for Inborn genetic diseases. Last evaluated: 2024-08-21. Review status: criteria provided, single submitter. Criteria: Ambry Variant Classification Scheme 2023. Collection method: clinical testing. Allele origin: germline.

Labcorp Genetics (formerly Invitae), Labcorp
Classification: Likely benign for Monocytopenia with susceptibility to infections; Deafness-lymphedema-leukemia syndrome. Last evaluated: 2024-01-10. Review status: criteria provided, single submitter. Criteria: Invitae Variant Classification Sherloc (09022015). Collection method: clinical testing. Allele origin: germline.

NM_032638.5(GATA2):c.1206C>T (p.Asn402=)

Gene: GATA2 (GATA binding protein 2; minus strand). Cytogenetic location: 3q21.3.
Variant type: single nucleotide variant.
Coding change: c.1206C>T on transcript NM_032638.5 (MANE Select); coding-DNA position 1206, C replaced by T.
Protein change: p.Asn402=; no amino-acid change (asparagine 402 retained).
Molecular consequence: synonymous variant.
Genome position (GRCh38, 1-based): chr3:128,481,256, G>A on the plus strand (C>T on the coding strand, the complement: GATA2 is on the minus strand). VCF-style: chr3-128481256-G-A. GRCh37 (hg19) VCF-style: chr3-128200099-G-A.
Other names: c.1206C>T, p.Asn402= (NM_001145661.2); c.1164C>T, p.Asn388= (NM_001145662.1).
Identifiers: ClinVar variation 701306 (VCV000701306.13), dbSNP rs376420351, ClinGen allele CA2599821.